The following is an entry in ClinVar:

NM_001385012.1(NBEA):c.3890A>G (p.Gln1297Arg)

Gene: NBEA (neurobeachin; plus strand). Cytogenetic location: 13q13.3.
Variant type: single nucleotide variant.
Coding change: c.3890A>G on transcript NM_001385012.1 (MANE Select); coding-DNA position 3890, A replaced by G.
Protein change: p.Gln1297Arg; replaces glutamine 1297 with arginine.
Molecular consequence: missense variant.
Genome position (GRCh38, 1-based): chr13:35,161,778, A>G. VCF-style: chr13-35161778-A-G. GRCh37 (hg19) VCF-style: chr13-35735915-A-G.
Other names: c.3890A>G, p.Gln1297Arg (NM_001379245.1, NM_015678.5); short protein forms Q1297R.
Identifiers: ClinVar variation 2643746 (VCV002643746.24), dbSNP rs2503664770, ClinGen allele CA387839597.

ClinVar aggregate classification (germline): Uncertain significance (1 of 4 stars; one submission).

Submission:

CeGaT Center for Human Genetics Tuebingen
Classification: Uncertain significance. Last evaluated: 2023-08-01. Review status: criteria provided, single submitter. Criteria: CeGaT Center For Human Genetics Tuebingen Variant Classification Criteria Version 2. Collection method: clinical testing. Allele origin: germline. Affected: yes. Observed: 1 variant allele.
Comment: NBEA: PM2, BP4